The following continues an entry in ClinVar:

NM_000179.3(MSH6):c.4001G>A (p.Arg1334Gln)

Gene: MSH6. ClinVar aggregate classification (germline): Pathogenic. Pathogenic (1).

Submissions 9 to 21 of 21:

All of Us Research Program, National Institutes of Health
Classification: Pathogenic for Lynch syndrome. Last evaluated: 2024-09-24. Review status: criteria provided, single submitter. Criteria: ACMG Guidelines, 2015. Collection method: clinical testing. Allele origin: germline. Inheritance: Autosomal dominant inheritance. Observed: 3 variant alleles, 3 heterozygotes. Not counted in ClinVar's aggregate classification.
Comment: This variant causes a G>A nucleotide substitution at the last nucleotide of exon 9 of the MSH6 gene. Splice site prediction tools suggest that this variant may impact RNA splicing. A RT-PCR analysis of RNA derived from two carriers has reported out-of-frame skipping of exon 9 (UMD database). This variant is expected to result in an absent or non-functional protein product. This variant has been reported in individuals affected with Lynch syndrome (PMID: 12547705, 17453009, 18566915, 27601186; UMD database) and in individuals affected with endometrial cancer (PMID: 33467402) and colorectal cancer (PMID: 26681312). Multifactorial likelihood model using health history, in silico, and experimental data has suggested this variant has a high probability of being pathogenic (InSiGHT database). This variant has not been identified in the general population by the Genome Aggregation Database (gnomAD). Loss of MSH6 function is a known mechanism of disease. Based on the available evidence, this variant is classified as Pathogenic.

This study involves interpretation of variants in research participants for the purpose of population health screening. Participant phenotype was not available at the time of variant classification. Additional details can be found in publication PMID: 35346344, PMCID: PMC8962531

Department of Human Genetics, Hannover Medical School
Classification: Pathogenic for Lynch syndrome 5. Last evaluated: 2024-08-09. Review status: criteria provided, single submitter. Criteria: ACMG Guidelines, 2015. Collection method: clinical testing. Allele origin: germline. Inheritance: Autosomal dominant inheritance. Affected: yes. Not counted in ClinVar's aggregate classification.

Quest Diagnostics Nichols Institute San Juan Capistrano
Classification: Pathogenic. Last evaluated: 2023-06-15. Review status: criteria provided, single submitter. Criteria: Quest Diagnostics criteria. Collection method: clinical testing. Allele origin: unknown. Not counted in ClinVar's aggregate classification.
Comment: The MSH6 c.4001G>A (p.Arg1334Gln) variant has been reported in the published literature in affected individuals with colorectal cancer (PMIDs: 12373605 (2002), 15236168 (2004), 17453009 (2007), 21836479 (2011), 26681312 (2015), 30264118 (2018), 31447099 (2019), and 34178123 (2021)), breast cancer (PMIDs: 26681312 (2015) and 33471991)), endometrial cancer (PMIDs: 10508506 (1999) and 15236168 (2004), 33467402 (2021)), lung cancer (PMID: 31297337 (2019)), as well as in individuals diagnosed with Lynch Syndrome (PMIDs: 18566915 (2009), 20028993 (2010), and 27601186 (2016)). It was also found in a tumor as a somatic variant (PMID: 29887214 (2018)). Functional studies have demonstrated that this variant is damaging to protein function (PMIDs: 185669115 (2009), 28531214 (2017), and 30264118 (2018)). This variant has not been reported in large, multi-ethnic general populations (Genome Aggregation Database). Analysis of this variant using bioinformatics tools for the prediction of the effect of amino acid changes on protein structure and function yielded predictions that this variant is damaging. Based on the available information, this variant is classified as pathogenic.

Myriad Genetics, Inc.
Classification: Pathogenic for Lynch syndrome 5. Last evaluated: 2023-03-29. Review status: criteria provided, single submitter. Criteria: Myriad Autosomal Dominant, Autosomal Recessive and X-Linked Classification Criteria (2023). Collection method: clinical testing. Allele origin: unknown. Not counted in ClinVar's aggregate classification.
Comment: This variant is considered pathogenic. mRNA analysis has demonstrated abnormal mRNA splicing occurs [Myriad internal data]. This variant is strongly associated with more severe personal and family histories of cancer, typical for individuals with pathogenic variants in this gene [PMID: 25085752].

Baylor Genetics
Classification: Pathogenic for Endometrial carcinoma. Last evaluated: 2022-08-23. Review status: criteria provided, single submitter. Criteria: ACMG Guidelines, 2015. Collection method: clinical testing. Allele origin: unknown. Not counted in ClinVar's aggregate classification.

Revvity Omics, Revvity
Classification: Pathogenic. Last evaluated: 2022-04-26. Review status: criteria provided, single submitter. Criteria: ACMG Guidelines, 2015. Collection method: clinical testing. Allele origin: germline. Not counted in ClinVar's aggregate classification.

GeneDx
Classification: Pathogenic. Last evaluated: 2022-02-28. Review status: criteria provided, single submitter. Criteria: GeneDx Variant Classification Process June 2021. Collection method: clinical testing. Allele origin: germline. Affected: yes. Not counted in ClinVar's aggregate classification.
Comment: Not observed in large population cohorts (gnomAD); In silico analysis supports a deleterious effect on splicing; In silico analysis supports that this missense variant does not alter protein structure/function; This variant is associated with the following publications: (PMID: 21081928, 23621914, 24362816, 18566915, 12547705, 15236168, 12373605, 20028993, 18415027, 27601186, 24705251, 26681312, 28502729, 24728189, 27768684, 17453009, 30283497, 29887214, 10508506, 8063241, 21836479, 31297337, 31447099, 32719484, 21120944, 17531815, 12019211, 34178123, 30787465)

Blueprint Genetics
Classification: Pathogenic for MSH6-related disorders. Last evaluated: 2020-07-28. Review status: criteria provided, single submitter. Criteria: ACMG Guidelines, 2015. Collection method: clinical testing. Allele origin: germline. Affected: yes. Observed: 1 variant allele. Not counted in ClinVar's aggregate classification.

Laboratory for Molecular Medicine, Mass General Brigham Personalized Medicine
Classification: Pathogenic for Lynch syndrome. Last evaluated: 2018-06-15. Review status: criteria provided, single submitter. Criteria: LMM Criteria. Collection method: clinical testing. Allele origin: germline. Inheritance: Autosomal dominant inheritance. Observed: 4 variant alleles. Not counted in ClinVar's aggregate classification.
Comment: The p.Arg1334Gln variant in MSH6 has been reported in 4 individuals with MSH6-as sociated cancers and segregated with disease in 7 affected relatives from 2 fami lies (Hendriks 2004, Overbeek 2007, van Puijenbroek 2008, Klarskov 2011). It was absent from large population studies. This variant affects the last base of the exon, which is part of the 5? splice region and computational tools predict alt ered splicing, which is expected to lead to an altered or absent protein. Consis tent with this, tumors from patients harboring this variant showed absence of MS H6 protein (Hendriks 2004, Klarskov 2011). This variant was classified as Pathog enic on Sept 5, 2013 by the ClinGen-approved InSiGHT Expert Panel (ClinVar SCV00 0108190.2). In summary, this variant meets criteria to be classified as pathogen ic for Lynch syndrome. ACMG/AMP criteria applied: PP1_Str, PS4_Mod, PM2, PS3_Mod , PP3 (Richards 2015).

Counsyl
Classification: Likely pathogenic for Lynch syndrome 5. Last evaluated: 2017-03-31. Review status: no assertion criteria provided. Collection method: clinical testing. Allele origin: unknown. Not counted in ClinVar's aggregate classification.

Department of Pathology and Laboratory Medicine, Sinai Health System
Classification: Likely pathogenic for Endometrial carcinoma. Review status: no assertion criteria provided. Collection method: clinical testing. Allele origin: unknown. Affected: yes. Study: The Canadian Open Genetics Repository (COGR). Not counted in ClinVar's aggregate classification.
Comment: The MSH6 p.Arg1334Gln variant was identified in 5 of 3358 proband chromosomes (frequency: 0.001) from Dutch, Danish and Norwegian individuals or families with HNPCC (Wijnen_1999_10508506, Nilbert_2009_18566915, Gille_2002_12373605 , Hendriks_2004_15236168, Overbeek_2007_17453009). A bioinformatics tool, CoDP (Combination of the Different Properties), that integrates the prediction results of three methods, namely MAPP, PolyPhen-2 and SIFT and two other structural properties, found the variant had no impact on the MSH6 protein (Terui_2013_23621914). The variant was also identified in dbSNP (ID: rs267608122) â€šÃ„ÃºWith Likely pathogenic,Pathogenic alleleâ€šÃ„Ã¹, ClinVar (classified as pathogenic, reviewed by an expert panel(2013); submitters: pathogenic by InSIGHT and Ambry Genetics, likely pathogenic by GeneDx and uncertain significance by Mayo Clinic Genetic Testing Laboratories), Clinvitae (4x), Cosmic (1x in a glioma), UMD-LSDB (4x as causal), Mismatch Repair Genes Variant Database, and Insight Hereditary Tumors Database (9x). The variant was not identified in GeneInsight-COGR, MutDB, Insight Colon Cancer Gene Variant Database, Zhejiang Colon Cancer Database, the 1000 Genomes Project, the NHLBI GO Exome Sequencing Project, the Exome Aggregation Consortium (August 8th 2016), or the Genome Aggregation Database (Feb 27, 2017). The p.Arg1334 residue is conserved in mammals and computational analyses (PolyPhen-2, SIFT, AlignGVGD, BLOSUM, MutationTaster) provide inconsistent predictions regarding the impact of the variant Gln to the protein; this information is not very predictive of pathogenicity. The p.Arg1334Gln variant occurs in the last nucleotide of the exon. This position has been shown to be part of the splicing consensus sequence and variants involving this position sometimes affect splicing. In addition, 4 of 5 in silico or computational prediction software programs (SpliceSiteFinder, MaxEntScan, NNSPLICE, GeneSplicer, HumanSpliceFinder) predict a greater than 10% difference in splicing. In summary, based on the above information the clinical significance of this variant cannot be determined with certainty at this time although we would lean towards a more pathogenic role for this variant. This variant is classified as likely pathogenic.

Genome Diagnostics Laboratory, University Medical Center Utrecht
Classification: Pathogenic. Review status: no assertion criteria provided. Collection method: clinical testing. Allele origin: germline. Affected: yes. Study: VKGL Data-share Consensus. Not counted in ClinVar's aggregate classification.

Joint Genome Diagnostic Labs from Nijmegen and Maastricht, Radboudumc and MUMC+
Classification: Pathogenic. Review status: no assertion criteria provided. Collection method: clinical testing. Allele origin: germline. Affected: yes. Study: VKGL Data-share Consensus. Not counted in ClinVar's aggregate classification.

Literature cited by the submitters: PubMed 34178123 (cited by 4 submitters); PubMed 31447099 (cited by Center for Genomic Medicine, Rigshospitalet, Copenhagen University Hospital and Quest Diagnostics Nichols Institute San Juan Capistrano); PubMed 31297337 (cited by 3 submitters); PubMed 10508506 (cited by 6 submitters); PubMed 15236168 (cited by 4 submitters); PubMed 17453009 (cited by 8 submitters); PubMed 21081928 (cited by Labcorp Genetics (formerly Invitae), Labcorp); PubMed 21836479 (cited by 5 submitters); PubMed 26681312 (cited by 7 submitters); PubMed 23621914 (cited by Labcorp Genetics (formerly Invitae), Labcorp); PubMed 17576681 (cited by Labcorp Genetics (formerly Invitae), Labcorp); PubMed 9536098 (cited by Labcorp Genetics (formerly Invitae), Labcorp); PubMed 12373605 (cited by Ambry Genetics and Quest Diagnostics Nichols Institute San Juan Capistrano); PubMed 27601186 (cited by 5 submitters); PubMed 28531214 (cited by 4 submitters); PubMed 12547705 (cited by 3 submitters); PubMed 18566915 (cited by 4 submitters); PubMed 33467402 (cited by 3 submitters); PubMed 20028993 (cited by 3 submitters); PubMed 29887214 (cited by Mayo Clinic Laboratories, Mayo Clinic and Quest Diagnostics Nichols Institute San Juan Capistrano); PubMed 31391288 (cited by Mayo Clinic Laboratories, Mayo Clinic); PubMed 8063241 (cited by Mayo Clinic Laboratories, Mayo Clinic and Counsyl); PubMed 30264118 (cited by Quest Diagnostics Nichols Institute San Juan Capistrano); PubMed 18415027 (cited by Quest Diagnostics Nichols Institute San Juan Capistrano and Laboratory for Molecular Medicine, Mass General Brigham Personalized Medicine); PubMed 32719484 (cited by Quest Diagnostics Nichols Institute San Juan Capistrano); PubMed 33471991 (cited by Quest Diagnostics Nichols Institute San Juan Capistrano); PubMed 25085752 (cited by Myriad Genetics, Inc.); PubMed 24362816 (cited by Laboratory for Molecular Medicine, Mass General Brigham Personalized Medicine and Counsyl); PubMed 24728189 (cited by Counsyl).